The following is an entry in ClinVar:

ClinVar aggregate classification (germline): Uncertain significance. Review status: criteria provided, multiple submitters, no conflicts (2 of 4 stars). 2 submissions from 2 submitters: Uncertain significance (2). Last evaluated 2024-04-19.

Conditions:
Cardiovascular phenotype. Identifiers: MedGen CN230736.

Allele frequency attached by ClinVar (database versions not stated): TOPMed below 0.00001.
gnomAD v4.1: 2 of 1,607,470 alleles (0.00012%); highest among the groups gnomAD compares: African/African-American, 0.0013%; no homozygotes.

Submissions (2):

Ambry Genetics
Classification: Uncertain significance for Cardiovascular phenotype. Last evaluated: 2024-04-19. Review status: criteria provided, single submitter. Criteria: Ambry Variant Classification Scheme 2023. Collection method: clinical testing. Allele origin: germline.
Comment: The p.M620T variant (also known as c.1859T>C), located in coding exon 5 of the ALPK3 gene, results from a T to C substitution at nucleotide position 1859. The methionine at codon 620 is replaced by threonine, an amino acid with similar properties. This amino acid position is conserved. In addition, this alteration is predicted to be tolerated by in silico analysis. Based on the available evidence, the clinical significance of this variant remains unclear.

Labcorp Genetics (formerly Invitae), Labcorp
Classification: Uncertain significance. Last evaluated: 2023-03-03. Review status: criteria provided, single submitter. Criteria: Invitae Variant Classification Sherloc (09022015). Collection method: clinical testing. Allele origin: germline.
Comment: In summary, the available evidence is currently insufficient to determine the role of this variant in disease. Therefore, it has been classified as a Variant of Uncertain Significance. An algorithm developed to predict the effect of missense changes on protein structure and function (PolyPhen-2) suggests that this variant is likely to be tolerated. This variant has not been reported in the literature in individuals affected with ALPK3-related conditions. This variant is not present in population databases (gnomAD no frequency). This sequence change replaces methionine, which is neutral and non-polar, with threonine, which is neutral and polar, at codon 620 of the ALPK3 protein (p.Met620Thr).

NM_020778.5(ALPK3):c.1253T>C (p.Met418Thr)

Gene: ALPK3 (alpha kinase 3; plus strand). Cytogenetic location: 15q25.3.
Variant type: single nucleotide variant.
Coding change: c.1253T>C on transcript NM_020778.5 (MANE Select); coding-DNA position 1253, T replaced by C.
Protein change: p.Met418Thr; replaces methionine 418 with threonine.
Molecular consequence: missense variant.
Genome position (GRCh38, 1-based): chr15:84,840,532, T>C. VCF-style: chr15-84840532-T-C. GRCh37 (hg19) VCF-style: chr15-85383763-T-C.
Other names: c.1859T>C (NM_020778.4); short protein forms M418T.
Identifiers: ClinVar variation 2956561 (VCV002956561.4), dbSNP rs1963650020, ClinGen allele CA393375056.
Genomic context (GRCh38, chr15:84,840,532, plus strand): 5'-AGGCCCAGAAGGCCCCTGGCCCAGGCCCAGGCCAGGAAGTGTATTTCTCCTTGAAGGACA[T>C]GTACCTGGAGAACACCCAGGCAGTCAGGCCTCTTGGGGAAGAGGGACCCCAGACCCTGAG-3'
Protein context (NP_065829.4, residues 408-428): GQEVYFSLKD[Met418Thr]YLENTQAVRP